The following is an entry in ClinVar:

ClinVar aggregate classification (germline): Likely benign (1 of 4 stars; one submission).

Conditions:
Marfan syndrome (MFS). Also called: FBN1-Related Marfan Syndrome; Marfan syndrome type 1; Marfan's syndrome; Marfan syndrome, classic; MARFAN SYNDROME, TYPE I. Identifiers: Orphanet 284963, Orphanet 558, MedGen C0024796, MONDO:0007947, OMIM 154700.

Submission:

Medical Genetics Lab, Policlinico S. Orsola.Malpighi
Classification: Likely benign for Marfan syndrome. Last evaluated: 2019-03-14. Review status: criteria provided, single submitter. Criteria: ACMG Guidelines, 2015. Collection method: clinical testing. Allele origin: unknown. Inheritance: Sporadic. Affected: yes. Observed: 1 heterozygote.
Comment: The c.8C>T (p.Ala3Val) variant in TGFBR1 is very rare (not reported in population databases) but has a benign computational verdict.

NM_004612.4(TGFBR1):c.8C>T (p.Ala3Val)

Genes: TGFBR1 (transforming growth factor beta receptor 1; plus strand), LOC130002223 (ATAC-STARR-seq lymphoblastoid silent region 20124; plus strand). Cytogenetic location: 9q22.33.
Variant type: single nucleotide variant.
Coding change: c.8C>T on transcript NM_004612.4 (MANE Select); coding-DNA position 8, C replaced by T.
Protein change: p.Ala3Val; replaces alanine 3 with valine.
Molecular consequence: missense variant.
Genome position (GRCh38, 1-based): chr9:99,105,213, C>T. VCF-style: chr9-99105213-C-T. GRCh37 (hg19) VCF-style: chr9-101867495-C-T.
Other names: c.8C>T, p.Ala3Val (NM_001130916.3, NM_001306210.2); short protein forms A3V.
Identifiers: ClinVar variation 623489 (VCV000623489.2), dbSNP rs1564120661, ClinGen allele CA374223476.